The following is an entry in ClinVar:

ClinVar aggregate classification (germline): Uncertain significance (1 of 4 stars; one submission).

Submission:

Labcorp Genetics (formerly Invitae), Labcorp
Classification: Uncertain significance. Last evaluated: 2025-09-21. Review status: criteria provided, single submitter. Criteria: Invitae Variant Classification Sherloc (09022015). Collection method: clinical testing. Allele origin: germline.
Comment: This sequence change replaces alanine, which is neutral and non-polar, with serine, which is neutral and polar, at codon 527 of the BRD4 protein (p.Ala527Ser). This variant is not present in population databases (gnomAD no frequency). This variant has not been reported in the literature in individuals affected with BRD4-related conditions. Invitae Evidence Modeling of protein sequence and biophysical properties (such as structural, functional, and spatial information, amino acid conservation, physicochemical variation, residue mobility, and thermodynamic stability) indicates that this missense variant is not expected to disrupt BRD4 protein function with a negative predictive value of 80%. Algorithms developed to predict the effect of sequence changes on RNA splicing suggest that this variant may create or strengthen a splice site. In summary, the available evidence is currently insufficient to determine the role of this variant in disease. Therefore, it has been classified as a Variant of Uncertain Significance.

NM_001379291.1(BRD4):c.1579G>T (p.Ala527Ser)

Gene: BRD4 (bromodomain containing 4; minus strand). Cytogenetic location: 19p13.12.
Variant type: single nucleotide variant.
Coding change: c.1579G>T on transcript NM_001379291.1 (MANE Select); coding-DNA position 1579, G replaced by T.
Protein change: p.Ala527Ser; replaces alanine 527 with serine.
Molecular consequence: missense variant.
Genome position (GRCh38, 1-based): chr19:15,256,236, C>A on the plus strand (G>T on the coding strand, the complement: BRD4 is on the minus strand). VCF-style: chr19-15256236-C-A. GRCh37 (hg19) VCF-style: chr19-15367047-C-A.
Other names: c.1579G>T, p.Ala527Ser (NM_001330384.2, NM_001379292.1, NM_014299.3 and 1 more transcripts); short protein forms A527S.
Identifiers: ClinVar variation 4742300 (VCV004742300.1).
Genomic context (GRCh38, chr19:15,256,236, plus strand): 5'-TCTTTTCCTTCTTGTCTTTCTCCTTTTTCTTTGGTTTGTTCTGCTGGGGCTGAGAGAGGG[C>A]TGCAAGCTGCTCGTGCACGGCTTTGAGCTGTAGACCAGACAGGCAAGACACACACTCAGG-3'
Protein context (NP_001366220.1, residues 517-537): QLKAVHEQLA[Ala527Ser]LSQPQQNKPK